The following is an entry in ClinVar:

ClinVar aggregate classification (germline): Uncertain significance. Review status: criteria provided, multiple submitters, no conflicts (2 of 4 stars). 2 submissions from 2 submitters: Uncertain significance (2). Last evaluated 2025-08-06.

Conditions:
Hereditary cancer-predisposing syndrome. Also called: Neoplastic Syndromes, Hereditary; Hereditary neoplastic syndrome; Tumor predisposition; Hereditary Cancer Syndrome. Identifiers: Orphanet 140162, MedGen C0027672, MeSH D009386, MONDO:0015356.
Familial cancer of breast. Also called: hereditary breast carcinoma; BREAST CANCER, FAMILIAL; Hereditary breast cancer. Identifiers: Orphanet 227535, MedGen C0346153, MONDO:0016419, OMIM 114480. Disease mechanism: loss of function.

Submissions (2):

Ambry Genetics
Classification: Uncertain significance for Hereditary cancer-predisposing syndrome. Last evaluated: 2025-08-06. Review status: criteria provided, single submitter. Criteria: Ambry Variant Classification Scheme 2023. Collection method: clinical testing. Allele origin: germline.
Comment: The p.S1492C variant (also known as c.4475C>G), located in coding exon 29 of the ATM gene, results from a C to G substitution at nucleotide position 4475. The serine at codon 1492 is replaced by cysteine, an amino acid with dissimilar properties. This amino acid position is well conserved in available vertebrate species. In addition, this alteration is predicted to be tolerated by in silico analysis. Based on the available evidence, the clinical significance of this variant remains unclear.

Baylor Genetics
Classification: Uncertain significance for Familial cancer of breast. Last evaluated: 2023-10-15. Review status: criteria provided, single submitter. Criteria: ACMG Guidelines, 2015. Collection method: clinical testing. Allele origin: unknown.

NM_000051.4(ATM):c.4475C>G (p.Ser1492Cys)

Gene: ATM (ATM serine/threonine kinase; plus strand). Cytogenetic location: 11q22.3.
Variant type: single nucleotide variant.
Coding change: c.4475C>G on transcript NM_000051.4 (MANE Select); coding-DNA position 4475, C replaced by G.
Protein change: p.Ser1492Cys; replaces serine 1492 with cysteine.
Molecular consequence: missense variant.
Genome position (GRCh38, 1-based): chr11:108,292,657, C>G. VCF-style: chr11-108292657-C-G. GRCh37 (hg19) VCF-style: chr11-108163384-C-G.
Other names: c.4475C>G, p.Ser1492Cys (NM_001351834.2); short protein forms S1492C.
Identifiers: ClinVar variation 2679551 (VCV002679551.2), dbSNP rs2135798380, ClinGen allele CA382533215.